The following is an entry in ClinVar:

NM_001005361.3(DNM2):c.1537C>T (p.Pro513Ser)

Gene: DNM2 (dynamin 2; plus strand). Cytogenetic location: 19p13.2.
Variant type: single nucleotide variant.
Coding change: c.1537C>T on transcript NM_001005361.3 (MANE Select); coding-DNA position 1537, C replaced by T.
Protein change: p.Pro513Ser; replaces proline 513 with serine.
Molecular consequence: missense variant.
Genome position (GRCh38, 1-based): chr19:10,805,959, C>T. VCF-style: chr19-10805959-C-T. GRCh37 (hg19) VCF-style: chr19-10916635-C-T.
Other names: c.1537C>T, p.Pro513Ser (NM_001005360.3, NM_001005362.3, NM_001190716.2 and 1 more transcripts); short protein forms P513S.
Identifiers: ClinVar variation 3692483 (VCV003692483.3).

ClinVar aggregate classification (germline): Uncertain significance. Review status: criteria provided, multiple submitters, no conflicts (2 of 4 stars). 2 submissions from 2 submitters: Uncertain significance (2). Last evaluated 2025-03-03.

Conditions:
Inborn genetic diseases. Identifiers: MedGen C0950123, MeSH D030342.
Charcot-Marie-Tooth disease dominant intermediate B (CMTDIB). Also called: Charcot-Marie-Tooth disease dominant intermediate 1; CMT DI1; Charcot-Marie-Tooth disease dominant intermediate I; CHARCOT-MARIE-TOOTH NEUROPATHY, DOMINANT INTERMEDIATE B. Identifiers: Orphanet 100044, Orphanet 228179, MedGen C1847902, MONDO:0011674, OMIM 606482.

gnomAD v4.1: 1 of 1,614,192 alleles (0.000062%); highest among the groups gnomAD compares: East Asian, 0.0022%; no homozygotes.

Submissions (2):

Ambry Genetics
Classification: Uncertain significance for Inborn genetic diseases. Last evaluated: 2025-03-03. Review status: criteria provided, single submitter. Criteria: Ambry Variant Classification Scheme 2023. Collection method: clinical testing. Allele origin: germline.

Labcorp Genetics (formerly Invitae), Labcorp
Classification: Uncertain significance for Charcot-Marie-Tooth disease dominant intermediate B. Last evaluated: 2024-10-24. Review status: criteria provided, single submitter. Criteria: Invitae Variant Classification Sherloc (09022015). Collection method: clinical testing. Allele origin: germline.
Comment: This sequence change replaces proline, which is neutral and non-polar, with serine, which is neutral and polar, at codon 513 of the DNM2 protein (p.Pro513Ser). This variant is not present in population databases (gnomAD no frequency). This variant has not been reported in the literature in individuals affected with DNM2-related conditions. Invitae Evidence Modeling of protein sequence and biophysical properties (such as structural, functional, and spatial information, amino acid conservation, physicochemical variation, residue mobility, and thermodynamic stability) indicates that this missense variant is not expected to disrupt DNM2 protein function with a negative predictive value of 95%. In summary, the available evidence is currently insufficient to determine the role of this variant in disease. Therefore, it has been classified as a Variant of Uncertain Significance.